The following is an entry in ClinVar:

ClinVar aggregate classification (germline): Pathogenic. Review status: reviewed by expert panel (3 of 4 stars). 3 submissions from 3 submitters: Pathogenic (1). 2 of the submissions do not count toward it. Last evaluated 2016-10-18.

Conditions:
Hereditary cancer-predisposing syndrome. Also called: Neoplastic Syndromes, Hereditary; Tumor predisposition; Hereditary neoplastic syndrome; Hereditary Cancer Syndrome. Identifiers: Orphanet 140162, MedGen C0027672, MeSH D009386, MONDO:0015356.
Breast-ovarian cancer, familial, susceptibility to, 2 (BROVCA2). Also called: BRCA2 Hereditary Breast and Ovarian Cancer. Identifiers: Orphanet 145, MedGen C2675520, MONDO:0012933, OMIM 612555. Disease mechanism: loss of function.

Submissions (3):

Evidence-based Network for the Interpretation of Germline Mutant Alleles (ENIGMA)
Classification: Pathogenic for Breast-ovarian cancer, familial, susceptibility to, 2. Last evaluated: 2016-10-18. Review status: reviewed by expert panel. Criteria: ENIGMA BRCA1/2 Classification Criteria (2015). Collection method: curation. Allele origin: germline.
Comment: Variant allele predicted to encode a truncated non-functional protein.

Ambry Genetics
Classification: Pathogenic for Hereditary cancer-predisposing syndrome. Last evaluated: 2019-04-07. Review status: criteria provided, single submitter. Criteria: Ambry Variant Classification Scheme 2023. Collection method: clinical testing. Allele origin: germline. Not counted in ClinVar's aggregate classification.
Comment: The p.L1930* pathogenic mutation (also known as c.5789T>A), located in coding exon 10 of the BRCA2 gene, results from a T to A substitution at nucleotide position 5789. This changes the amino acid from a leucine to a stop codon within coding exon 10. This alteration was identified in a large, worldwide study of BRCA1/2 mutation positive families (Rebbeck TR et al. Hum. Mutat. 2018 05;39:593-620). In addition to the clinical data presented in the literature, this alteration is expected to result in loss of function by premature protein truncation or nonsense-mediated mRNA decay. As such, this alteration is interpreted as a disease-causing mutation.

Consortium of Investigators of Modifiers of BRCA1/2 (CIMBA), c/o University of Cambridge
Classification: Pathogenic for Breast-ovarian cancer, familial, susceptibility to, 2. Last evaluated: 2015-10-02. Review status: criteria provided, single submitter. Criteria: CIMBA Mutation Classification guidelines May 2016. Collection method: clinical testing. Allele origin: germline. Not counted in ClinVar's aggregate classification.

Literature cited by the submitters: PubMed 16760289 (cited by Ambry Genetics); PubMed 29446198 (cited by Ambry Genetics).

NM_000059.4(BRCA2):c.5789T>A (p.Leu1930Ter)

Gene: BRCA2 (BRCA2 DNA repair associated; plus strand). Cytogenetic location: 13q13.1.
Variant type: single nucleotide variant.
Coding change: c.5789T>A on transcript NM_000059.4 (MANE Select); coding-DNA position 5789, T replaced by A.
Protein change: p.Leu1930Ter; replaces leucine 1930 with a stop codon.
Molecular consequence: nonsense.
Genome position (GRCh38, 1-based): chr13:32,340,144, T>A. VCF-style: chr13-32340144-T-A. GRCh37 (hg19) VCF-style: chr13-32914281-T-A.
Other names: 6017 T>A (L1930X); short protein forms L1930*.
Identifiers: ClinVar variation 51937 (VCV000051937.9), dbSNP rs397507805, ClinGen allele CA023238.